The following is an entry in ClinVar:

ClinVar aggregate classification (germline): Uncertain significance (1 of 4 stars; one submission).

Allele frequency attached by ClinVar (database versions not stated): gnomAD exomes 0.00001 and 0.00002; ExAC 0.00002.
gnomAD v4.1: 9 of 1,613,980 alleles (0.00056%); highest among the groups gnomAD compares: South Asian, 0.0088%; 1 homozygote.

Submission:

Labcorp Genetics (formerly Invitae), Labcorp
Classification: Uncertain significance. Last evaluated: 2020-11-18. Review status: criteria provided, single submitter. Criteria: Invitae Variant Classification Sherloc (09022015). Collection method: clinical testing. Allele origin: germline.
Comment: This sequence change replaces alanine with threonine at codon 1318 of the ERBIN protein (p.Ala1318Thr). The alanine residue is moderately conserved and there is a small physicochemical difference between alanine and threonine. This variant is present in population databases (rs757841017, ExAC 0.02%). This variant has not been reported in the literature in individuals with ERBIN-related conditions. Algorithms developed to predict the effect of missense changes on protein structure and function (SIFT, PolyPhen-2, Align-GVGD) all suggest that this variant is likely to be tolerated, but these predictions have not been confirmed by published functional studies and their clinical significance is uncertain. In summary, the available evidence is currently insufficient to determine the role of this variant in disease. Therefore, it has been classified as a Variant of Uncertain Significance.

NM_001253697.2(ERBIN):c.3952G>A (p.Ala1318Thr)

Gene: ERBIN (erbb2 interacting protein; plus strand). Cytogenetic location: 5q12.3.
Variant type: single nucleotide variant.
Coding change: c.3952G>A on transcript NM_001253697.2 (MANE Select); coding-DNA position 3952, G replaced by A.
Protein change: p.Ala1318Thr; replaces alanine 1318 with threonine.
Molecular consequence: missense variant. On other transcripts: intron variant (1).
Genome position (GRCh38, 1-based): chr5:66,075,219, G>A. VCF-style: chr5-66075219-G-A. GRCh37 (hg19) VCF-style: chr5-65371047-G-A.
Other names: c.3829G>A, p.Ala1277Thr (NM_001253698.2, NM_018695.4); c.3973G>A, p.Ala1325Thr (NM_001253699.2); c.3817G>A, p.Ala1273Thr (NM_001253701.2); c.3634-1097G>A (NM_001006600.3); short protein forms A1273T, A1318T, A1325T, A1277T.
Identifiers: ClinVar variation 1479430 (VCV001479430.8), dbSNP rs757841017, ClinGen allele CA3286755.
Genomic context (GRCh38, chr5:66,075,219, plus strand): 5'-GTGGCCCACCAGCCTCCATATACACAGCCCCATTGTTCTCCTAGACAAGGCCATGAACTG[G>A]CAAAACAAGAGGTAAGAATAATCAAGACTATTTGAAATATGGGACTAAGCTTTTTATGTA-3'
Protein context (NP_001240626.1, residues 1308-1328): HCSPRQGHEL[Ala1318Thr]KQEIRVRVEK